The following is an entry in ClinVar:

NM_001134831.2(AHI1):c.482C>G (p.Pro161Arg)

Gene: AHI1 (Abelson helper integration site 1; minus strand). Cytogenetic location: 6q23.3.
Variant type: single nucleotide variant.
Coding change: c.482C>G on transcript NM_001134831.2 (MANE Select); coding-DNA position 482, C replaced by G.
Protein change: p.Pro161Arg; replaces proline 161 with arginine.
Molecular consequence: missense variant.
Genome position (GRCh38, 1-based): chr6:135,466,081, G>C on the plus strand (C>G on the coding strand, the complement: AHI1 is on the minus strand). VCF-style: chr6-135466081-G-C. GRCh37 (hg19) VCF-style: chr6-135787219-G-C.
Other names: c.482C>G, p.Pro161Arg (NM_001134830.2, NM_001134832.2, NM_001350503.2 and 2 more transcripts); short protein forms P161R.
Identifiers: ClinVar variation 1502416 (VCV001502416.8), dbSNP rs1562240075, ClinGen allele CA365751570.

ClinVar aggregate classification (germline): Uncertain significance (1 of 4 stars; one submission).

Conditions:
Joubert syndrome. Also called: CEREBELLOPARENCHYMAL DISORDER IV; JOUBERT-BOLTSHAUSER SYNDROME; Familial aplasia of the vermis. Identifiers: Orphanet 475, MedGen C5979921, MONDO:0018772.

Submission:

Labcorp Genetics (formerly Invitae), Labcorp
Classification: Uncertain significance for Joubert syndrome. Last evaluated: 2023-06-30. Review status: criteria provided, single submitter. Criteria: Invitae Variant Classification Sherloc (09022015). Collection method: clinical testing. Allele origin: germline.
Comment: In summary, the available evidence is currently insufficient to determine the role of this variant in disease. Therefore, it has been classified as a Variant of Uncertain Significance. Advanced modeling of protein sequence and biophysical properties (such as structural, functional, and spatial information, amino acid conservation, physicochemical variation, residue mobility, and thermodynamic stability) performed at Invitae indicates that this missense variant is not expected to disrupt AHI1 protein function. ClinVar contains an entry for this variant (Variation ID: 1502416). This variant has not been reported in the literature in individuals affected with AHI1-related conditions. This variant is not present in population databases (gnomAD no frequency). This sequence change replaces proline, which is neutral and non-polar, with arginine, which is basic and polar, at codon 161 of the AHI1 protein (p.Pro161Arg).